The following is an entry in ClinVar:

NM_173660.5(DOK7):c.1367T>G (p.Met456Arg)

Gene: DOK7 (docking protein 7; plus strand). Cytogenetic location: 4p16.3.
Variant type: single nucleotide variant.
Coding change: c.1367T>G on transcript NM_173660.5 (MANE Select); coding-DNA position 1367, T replaced by G.
Protein change: p.Met456Arg; replaces methionine 456 with arginine.
Molecular consequence: missense variant. On other transcripts: 3 prime UTR variant (1).
Genome position (GRCh38, 1-based): chr4:3,493,353, T>G. VCF-style: chr4-3493353-T-G. GRCh37 (hg19) VCF-style: chr4-3495080-T-G.
Other names: c.*588T>G (NM_001164673.2); c.437T>G, p.Met146Arg (NM_001256896.2); c.1367T>G, p.Met456Arg (NM_001301071.2); c.935T>G, p.Met312Arg (NM_001363811.2); c.1367T>G (NM_173660.4); short protein forms M312R, M456R, M146R.
Identifiers: ClinVar variation 1047587 (VCV001047587.9), dbSNP rs753317302, ClinGen allele CA2829489.

ClinVar aggregate classification (germline): Uncertain significance. Review status: criteria provided, multiple submitters, no conflicts (2 of 4 stars). 3 submissions from 3 submitters: Uncertain significance (3). Last evaluated 2025-08-30.

Conditions:
Inborn genetic diseases. Identifiers: MedGen C0950123, MeSH D030342.
Congenital myasthenic syndrome 10. Also called: Myasthenia, limb-girdle, familial. Identifiers: Orphanet 590, MedGen C1850792, MONDO:0009690, OMIM 254300.
Fetal akinesia deformation sequence 1 (FADS1). Also called: Pena-Shokeir syndrome type I; Fetal akinesia sequence. Identifiers: Orphanet 994, MedGen C1276035, MONDO:0100101, OMIM 208150, HP:0001989.

Allele frequency attached by ClinVar (database versions not stated): ExAC 0.00001; gnomAD 0.00001; gnomAD exomes 0.00001.
gnomAD v4.1: 71 of 1,598,562 alleles (0.0044%); highest among the groups gnomAD compares: Non-Finnish European, 0.0056%; no homozygotes.

Submissions (3):

Ambry Genetics
Classification: Uncertain significance for Inborn genetic diseases. Last evaluated: 2025-08-30. Review status: criteria provided, single submitter. Criteria: Ambry Variant Classification Scheme 2023. Collection method: clinical testing. Allele origin: germline.

Labcorp Genetics (formerly Invitae), Labcorp
Classification: Uncertain significance for Congenital myasthenic syndrome 10; Fetal akinesia deformation sequence 1. Last evaluated: 2021-08-28. Review status: criteria provided, single submitter. Criteria: Invitae Variant Classification Sherloc (09022015). Collection method: clinical testing. Allele origin: germline.
Comment: This sequence change replaces methionine with arginine at codon 456 of the DOK7 protein (p.Met456Arg). The methionine residue is weakly conserved and there is a moderate physicochemical difference between methionine and arginine. This variant is present in population databases (rs753317302, ExAC 0.003%). This variant has not been reported in the literature in individuals affected with DOK7-related conditions. Algorithms developed to predict the effect of missense changes on protein structure and function (SIFT, PolyPhen-2, Align-GVGD) all suggest that this variant is likely to be tolerated. Algorithms developed to predict the effect of sequence changes on RNA splicing suggest that this variant may create or strengthen a splice site. In summary, the available evidence is currently insufficient to determine the role of this variant in disease. Therefore, it has been classified as a Variant of Uncertain Significance.

Department of Pathology and Laboratory Medicine, Sinai Health System
Classification: Uncertain significance for congenital myasthenic syndrome 10. Last evaluated: 2021-07-30. Review status: criteria provided, single submitter. Criteria: ACMG Guidelines, 2015. Collection method: research. Allele origin: germline.